The following is an entry in ClinVar:

NM_172107.4(KCNQ2):c.1741C>G (p.Arg581Gly)

Gene: KCNQ2 (potassium voltage-gated channel subfamily Q member 2; minus strand). Cytogenetic location: 20q13.33.
Variant type: single nucleotide variant.
Coding change: c.1741C>G on transcript NM_172107.4 (MANE Select); coding-DNA position 1741, C replaced by G.
Protein change: p.Arg581Gly; replaces arginine 581 with glycine.
Molecular consequence: missense variant.
Genome position (GRCh38, 1-based): chr20:63,413,472, G>C on the plus strand (C>G on the coding strand, the complement: KCNQ2 is on the minus strand). VCF-style: chr20-63413472-G-C. GRCh37 (hg19) VCF-style: chr20-62044825-G-C.
Other names: c.1657C>G, p.Arg553Gly (NM_004518.6); c.1687C>G, p.Arg563Gly (NM_172106.3); c.1648C>G, p.Arg550Gly (NM_172108.5); short protein forms R581G, R553G, R550G, R563G.
Identifiers: ClinVar variation 265380 (VCV000265380.14), dbSNP rs118192236, ClinGen allele CA10588704.
Genomic context (GRCh38, chr20:63,413,472, plus strand): 5'-TTCTTGTCCCCTGCTGGACAGGCAGGCGGGGCTCTTGCCTGGACTGCAGGCTCTTAATTC[G>C]GGACAGCATGTCCAGGTGGCCGGCTGAGTACTGCTCGATGACGTCCATCACGTCGTAGGG-3'
Protein context (NP_742105.1, residues 571-591): YSAGHLDMLS[Arg581Gly]IKSLQSRVDQ

ClinVar aggregate classification (germline): Pathogenic. Review status: criteria provided, multiple submitters, no conflicts (2 of 4 stars). 3 submissions from 3 submitters: Pathogenic (2). 1 of the submissions does not count toward it. Last evaluated 2024-05-06.

Conditions:
Early-infantile DEE. Also called: Ohtahara syndrome; Early infantile epileptic encephalopathy; Early infantile epileptic encephalopathy with suppression bursts. Identifiers: Orphanet 1934, MedGen C0393706, MONDO:0800491.
Developmental and epileptic encephalopathy, 7 (DEE7). Also called: Early infantile epileptic encephalopathy 7; KCNQ2-Related Neonatal Epileptic Encephalopathy; KCNQ2-Related Neonatal-Onset Developmental and Epileptic Encephalopathy (NEO-DEE). Identifiers: Orphanet 439218, MedGen C3150986, MONDO:0013387, OMIM 613720.

Submissions (3):

Labcorp Genetics (formerly Invitae), Labcorp
Classification: Pathogenic for Early-infantile DEE. Last evaluated: 2024-05-06. Review status: criteria provided, single submitter. Criteria: Invitae Variant Classification Sherloc (09022015). Collection method: clinical testing. Allele origin: germline.
Comment: This sequence change replaces arginine, which is basic and polar, with glycine, which is neutral and non-polar, at codon 581 of the KCNQ2 protein (p.Arg581Gly). This variant is not present in population databases (gnomAD no frequency). This missense change has been observed in individual(s) with early infantile epileptic encephalopathy (PMID: 25262651, 30174244). In at least one individual the variant was observed to be de novo. ClinVar contains an entry for this variant (Variation ID: 265380). An algorithm developed to predict the effect of missense changes on protein structure and function (PolyPhen-2) suggests that this variant is likely to be disruptive. This variant disrupts the p.Arg581 amino acid residue in KCNQ2. Other variant(s) that disrupt this residue have been determined to be pathogenic (PMID: 27864847, 28133863, 28973083). This suggests that this residue is clinically significant, and that variants that disrupt this residue are likely to be disease-causing. For these reasons, this variant has been classified as Pathogenic.

GeneDx
Classification: Pathogenic. Last evaluated: 2016-06-27. Review status: criteria provided, single submitter. Criteria: GeneDx Variant Classification (06012015). Collection method: clinical testing. Allele origin: germline. Affected: yes.
Comment: The R581G variant has been previously reported as a de novo pathogenic variant, identified by whole exome sequencing, in an individual with epileptic encephalopathy (EuroEpinomics-RES Consortium, 2014). It was not observed in approximately 6,500 individuals of European and African American ancestry in the NHLBI Exome Sequencing Project, indicating it is not a common benign variant in these populations. The R581G variant is a non-conservative amino acid substitution, which is likely to impact secondary protein structure as these residues differ in polarity, charge, size and/or other properties. This substitution alters a conserved position predicted to be within the C-terminal cytoplasmic domain. In silico analysis predicts this variant is probably damaging to the protein structure/function. Additionally, missense variants in a nearby residue (M578V/I) have been reported in the Human Gene Mutation Database in association with KCNQ2-related disorders (Stenson et al., 2014).

GeneReviews
No classification provided. Condition: Developmental and epileptic encephalopathy, 7. Review status: no classification provided. Collection method: literature only. Allele origin: germline. Affected: yes. Not counted in ClinVar's aggregate classification.
Comment: EE (epileptic encephalopathy)

Literature cited by the submitters: PubMed 25262651 (cited by Labcorp Genetics (formerly Invitae), Labcorp); PubMed 30174244 (cited by Labcorp Genetics (formerly Invitae), Labcorp); PubMed 27864847 (cited by Labcorp Genetics (formerly Invitae), Labcorp); PubMed 28133863 (cited by Labcorp Genetics (formerly Invitae), Labcorp); PubMed 28973083 (cited by Labcorp Genetics (formerly Invitae), Labcorp); PubMed 24107868 (cited by GeneReviews); NCBI Bookshelf NBK32534 (cited by GeneReviews).